The following is an entry in ClinVar:

NM_144670.6(A2ML1):c.3434C>T (p.Ser1145Phe)

Gene: A2ML1 (alpha-2-macroglobulin like 1; plus strand). Cytogenetic location: 12p13.31.
Variant type: single nucleotide variant.
Coding change: c.3434C>T on transcript NM_144670.6 (MANE Select); coding-DNA position 3434, C replaced by T.
Protein change: p.Ser1145Phe; replaces serine 1145 with phenylalanine.
Molecular consequence: missense variant.
Genome position (GRCh38, 1-based): chr12:8,861,229, C>T. VCF-style: chr12-8861229-C-T. GRCh37 (hg19) VCF-style: chr12-9013825-C-T.
Other names: c.3434C>T (NM_144670.3); c.1961C>T, p.Ser654Phe (NM_001282424.3); short protein forms S1145F, S654F.
Identifiers: ClinVar variation 977734 (VCV000977734.2), dbSNP rs768331924, ClinGen allele CA232698892.
Genomic context (GRCh38, chr12:8,861,229, plus strand): 5'-AGAATTCGGCCACCTCCACGACCAACCTCTACACACAGGCCCTGTTGGCTTACATTTTCT[C>T]CCTGGCTGGGGAAATGGACATCAGAAACATTCTCCTTAAACAGTTAGATCAACAGGCTAT-3'
Protein context (NP_653271.3, residues 1135-1155): YTQALLAYIF[Ser1145Phe]LAGEMDIRNI

ClinVar aggregate classification (germline): Uncertain significance. Review status: criteria provided, multiple submitters, no conflicts (2 of 4 stars). 2 submissions from 2 submitters: Uncertain significance (2). Last evaluated 2024-07-01.

Allele frequency attached by ClinVar (database versions not stated): TOPMed below 0.00001; gnomAD 0.00001; 1000 Genomes Project 30x 0.00016; 1000 Genomes Project 0.00020.
gnomAD v4.1: 1 of 1,614,138 alleles (0.000062%); highest among the groups gnomAD compares: Admixed American, 0.0017%; no homozygotes.

Submissions (2):

Ambry Genetics
Classification: Uncertain significance. Last evaluated: 2024-07-01. Review status: criteria provided, single submitter. Criteria: Ambry Variant Classification Scheme 2023. Collection method: clinical testing. Allele origin: germline.
Comment: The p.S1145F variant (also known as c.3434C>T), located in coding exon 28 of the A2ML1 gene, results from a C to T substitution at nucleotide position 3434. The serine at codon 1145 is replaced by phenylalanine, an amino acid with highly dissimilar properties. This amino acid position is conserved. In addition, this alteration is predicted to be tolerated by in silico analysis. Based on the available evidence, the clinical significance of this variant remains unclear.

Women's Health and Genetics/Laboratory Corporation of America, LabCorp
Classification: Uncertain significance. Last evaluated: 2020-08-31. Review status: criteria provided, single submitter. Criteria: LabCorp Variant Classification Summary - May 2015. Collection method: clinical testing. Allele origin: germline.
Comment: Variant summary: A2ML1 c.3434C>T (p.Ser1145Phe) results in a non-conservative amino acid change located in the Alpha-macroglobulin-like, TED domain (IPR011626) of the encoded protein sequence. Three of five in-silico tools predict a damaging effect of the variant on protein function. The variant was absent in 249520 control chromosomes (gnomAD). The available data on variant occurrences in the general population are insufficient to allow any conclusion about variant significance. To our knowledge, no occurrence of c.3434C>T in individuals affected with Noonan Syndrome and no experimental evidence demonstrating its impact on protein function have been reported. No clinical diagnostic laboratories have submitted clinical-significance assessments for this variant to ClinVar after 2014. Based on the evidence outlined above, the variant was classified as uncertain significance.